The following is an entry in ClinVar:

ClinVar aggregate classification (germline): Uncertain significance. Review status: criteria provided, multiple submitters, no conflicts (2 of 4 stars). 3 submissions from 3 submitters: Uncertain significance (2). 1 of the submissions does not count toward it. Last evaluated 2025-08-25.

Conditions:
EP300-related disorder. Also called: EP300-related disorders; EP300-related condition.
Rubinstein-Taybi syndrome due to EP300 haploinsufficiency. Also called: EP300-Related Rubinstein-Taybi Syndrome; RUBINSTEIN-TAYBI SYNDROME 2. Identifiers: Orphanet 353284, Orphanet 783, MedGen C3150941, MONDO:0013364, OMIM 613684.

Allele frequency attached by ClinVar (database versions not stated): gnomAD exomes below 0.00001; gnomAD 0.00001.
gnomAD v4.1: 4 of 1,614,100 alleles (0.00025%); highest among the groups gnomAD compares: Non-Finnish European, 0.00017%; no homozygotes.

Submissions (3):

Labcorp Genetics (formerly Invitae), Labcorp
Classification: Uncertain significance for Rubinstein-Taybi syndrome due to EP300 haploinsufficiency. Last evaluated: 2025-08-25. Review status: criteria provided, single submitter. Criteria: Invitae Variant Classification Sherloc (09022015). Collection method: clinical testing. Allele origin: germline.
Comment: This sequence change replaces methionine, which is neutral and non-polar, with threonine, which is neutral and polar, at codon 693 of the EP300 protein (p.Met693Thr). This variant is not present in population databases (gnomAD no frequency). This variant has not been reported in the literature in individuals affected with EP300-related conditions. ClinVar contains an entry for this variant (Variation ID: 1677430). Invitae Evidence Modeling of protein sequence and biophysical properties (such as structural, functional, and spatial information, amino acid conservation, physicochemical variation, residue mobility, and thermodynamic stability) indicates that this missense variant is not expected to disrupt EP300 protein function with a negative predictive value of 95%. In summary, the available evidence is currently insufficient to determine the role of this variant in disease. Therefore, it has been classified as a Variant of Uncertain Significance.

AiLife Diagnostics
Classification: Uncertain significance. Last evaluated: 2021-08-09. Review status: criteria provided, single submitter. Criteria: ACMG Guidelines, 2015. Collection method: clinical testing. Allele origin: germline. Affected: yes. Observed: 1 variant allele.

PreventionGenetics, part of Exact Sciences
Classification: Uncertain significance for EP300-related condition. Last evaluated: 2024-05-31. Review status: no assertion criteria provided. Collection method: clinical testing. Allele origin: germline. Not counted in ClinVar's aggregate classification.
Comment: The EP300 c.2078T>C variant is predicted to result in the amino acid substitution p.Met693Thr. To our knowledge, this variant has not been reported in the literature or in a large population database, indicating this variant is rare. At this time, the clinical significance of this variant is uncertain due to the absence of conclusive functional and genetic evidence.

NM_001429.4(EP300):c.2078T>C (p.Met693Thr)

Gene: EP300 (EP300 lysine acetyltransferase; plus strand). Cytogenetic location: 22q13.2.
Variant type: single nucleotide variant.
Coding change: c.2078T>C on transcript NM_001429.4 (MANE Select); coding-DNA position 2078, T replaced by C.
Protein change: p.Met693Thr; replaces methionine 693 with threonine.
Molecular consequence: missense variant. On other transcripts: intron variant (1).
Genome position (GRCh38, 1-based): chr22:41,146,763, T>C. VCF-style: chr22-41146763-T-C. GRCh37 (hg19) VCF-style: chr22-41542767-T-C.
Other names: c.2078T>C (NM_001429.3); c.2054-1074T>C (NM_001362843.2); short protein forms M693T.
Identifiers: ClinVar variation 1677430 (VCV001677430.7), dbSNP rs199636064, ClinGen allele CA324533547.